The following is an entry in ClinVar:

NM_002691.4(POLD1):c.2700C>T (p.His900=)

Gene: POLD1 (DNA polymerase delta 1, catalytic subunit; plus strand). Cytogenetic location: 19q13.33.
Variant type: single nucleotide variant.
Coding change: c.2700C>T on transcript NM_002691.4 (MANE Select); coding-DNA position 2700, C replaced by T.
Protein change: p.His900=; no amino-acid change (histidine 900 retained).
Molecular consequence: synonymous variant. On other transcripts: non-coding transcript variant (1).
Genome position (GRCh38, 1-based): chr19:50,415,573, C>T. VCF-style: chr19-50415573-C-T. GRCh37 (hg19) VCF-style: chr19-50918830-C-T.
Other names: c.2700C>T, p.His900= (NM_001256849.1); c.2778C>T, p.His926= (NM_001308632.1).
Identifiers: ClinVar variation 239305 (VCV000239305.30), dbSNP rs769965495, ClinGen allele CA9596613.

ClinVar aggregate classification (germline): Benign/Likely benign. Review status: criteria provided, multiple submitters, no conflicts (2 of 4 stars). 10 submissions from 10 submitters: Benign (3); Likely benign (6). 1 of the submissions does not count toward it. Last evaluated 2026-01-28.

Conditions:
POLD1-related disorder. Also called: POLD1-related condition; POLD1-related disorders.
POLD1-related polyposis and colorectal cancer syndrome (CRCS10). Also called: COLORECTAL CANCER, SUSCEPTIBILITY TO, ON CHROMOSOME 19q; Colorectal cancer 10; Colorectal cancer, susceptibility to, 10. Identifiers: Orphanet 220460, MedGen C2675481, MONDO:0012953, OMIM 612591.
Immunodeficiency 120. Identifiers: MedGen C5935622, MONDO:0970994, OMIM 620836.
Mandibular hypoplasia-deafness-progeroid syndrome. Also called: Mandibular hypoplasia, deafness, progeroid features, and lipodystrophy syndrome. Identifiers: Orphanet 363649, MedGen C3715192, MONDO:0014157, OMIM 615381.
Hereditary cancer-predisposing syndrome. Also called: Hereditary Cancer Syndrome; Neoplastic Syndromes, Hereditary; Hereditary neoplastic syndrome; Tumor predisposition. Identifiers: Orphanet 140162, MedGen C0027672, MeSH D009386, MONDO:0015356.

Allele frequency attached by ClinVar (database versions not stated): ExAC 0.00005; gnomAD 0.00006; gnomAD exomes 0.00006 and 0.00009; TOPMed 0.00006.

Submissions (10):

Labcorp Genetics (formerly Invitae), Labcorp
Classification: Benign for POLD1-related polyposis and colorectal cancer syndrome. Last evaluated: 2026-01-28. Review status: criteria provided, single submitter. Criteria: Invitae Variant Classification Sherloc (09022015). Collection method: clinical testing. Allele origin: germline.

Center for Genomic Medicine, Rigshospitalet, Copenhagen University Hospital
Classification: Likely benign. Last evaluated: 2025-03-04. Review status: criteria provided, single submitter. Criteria: ACMG Guidelines, 2015. Collection method: clinical testing. Allele origin: germline.

Blueprint Genetics
Classification: Likely benign. Last evaluated: 2024-09-30. Review status: criteria provided, single submitter. Criteria: ACMG Guidelines, 2015. Collection method: clinical testing. Allele origin: germline.

Department of Pathology and Laboratory Medicine, Sinai Health System
Classification: Likely benign for POLD1-related polyposis and colorectal cancer syndrome; Mandibular hypoplasia-deafness-progeroid syndrome; Immunodeficiency 120. Last evaluated: 2023-10-08. Review status: criteria provided, single submitter. Criteria: ACMG Guidelines, 2015. Collection method: clinical testing. Allele origin: germline. Affected: no.

Sema4
Classification: Benign for Hereditary cancer-predisposing syndrome. Last evaluated: 2020-12-10. Review status: criteria provided, single submitter. Criteria: Sema4 Curation Guidelines. Collection method: curation. Allele origin: germline.

GeneDx
Classification: Likely benign. Last evaluated: 2019-03-29. Review status: criteria provided, single submitter. Criteria: GeneDx Variant Classification Process June 2021. Collection method: clinical testing. Allele origin: germline. Affected: yes.

Women's Health and Genetics/Laboratory Corporation of America, LabCorp
Classification: Benign. Last evaluated: 2018-03-23. Review status: criteria provided, single submitter. Criteria: LabCorp Variant Classification Summary - May 2015. Collection method: clinical testing. Allele origin: germline.
Comment: Variant summary: POLD1 c.2700C>T alters a non-conserved nucleotide resulting in a synonymous change. 5/5 computational tools predict no significant impact on normal splicing. However, these predictions have yet to be confirmed by functional studies. The observed variant frequency within Ashkenazi Jewish control individuals in the gnomAD database is approximately 112.64 fold of the estimated maximal expected allele frequency for a pathogenic variant in POLD1 causing Colorectal Cancer phenotype (1.4e-05), strongly suggesting that the variant is a benign polymorphism found primarily in populations of Ashkenazi Jewish origin. To our knowledge, no occurrence of c.2700C>T in individuals affected with Colorectal Cancer and no experimental evidence demonstrating its impact on protein function have been reported. Four clinical diagnostic laboratories have submitted clinical-significance assessments for this variant to ClinVar after 2014 without evidence for independent evaluation. All laboratories classified the variant as benign/likely benign. Based on the evidence outlined above, the variant was classified as benign.

Quest Diagnostics Nichols Institute San Juan Capistrano
Classification: Likely benign. Last evaluated: 2017-06-07. Review status: criteria provided, single submitter. Criteria: Quest Diagnostics criteria. Collection method: clinical testing. Allele origin: unknown.

Ambry Genetics
Classification: Likely benign for Hereditary cancer-predisposing syndrome. Last evaluated: 2015-11-27. Review status: criteria provided, single submitter. Criteria: Ambry Variant Classification Scheme 2023. Collection method: clinical testing. Allele origin: germline.

PreventionGenetics, part of Exact Sciences
Classification: Likely benign for POLD1-related condition. Last evaluated: 2019-04-12. Review status: no assertion criteria provided. Collection method: clinical testing. Allele origin: germline. Not counted in ClinVar's aggregate classification.
Comment: This variant is classified as likely benign based on ACMG/AMP sequence variant interpretation guidelines (Richards et al. 2015 PMID: 25741868, with internal and published modifications).